The following is an entry in ClinVar:

ClinVar aggregate classification (germline): Conflicting classifications of pathogenicity. Review status: criteria provided, conflicting classifications (1 of 4 stars). 3 submissions from 3 submitters: Likely pathogenic (1); Uncertain significance (2). Last evaluated 2026-01-21.

Conditions:
PCDH15-related disorder. Also called: PCDH15-related condition; PCDH15-related disorders.
Usher syndrome type 1F (USH1F). Also called: USHER SYNDROME, TYPE IF. Identifiers: Orphanet 231169, Orphanet 886, MedGen C1865885, MONDO:0011186, OMIM 602083.
Autosomal recessive nonsyndromic hearing loss 23. Identifiers: Orphanet 90636, MedGen C1836027, MONDO:0012293, OMIM 609533.

Submissions (3):

PreventionGenetics, part of Exact Sciences
Classification: Uncertain significance for PCDH15-related condition. Last evaluated: 2026-01-21. Review status: criteria provided, single submitter. Criteria: ACMG Guidelines, 2015. Collection method: clinical testing. Allele origin: germline.
Comment: The PCDH15 c.4941_4953dup13 variant is predicted to result in a frameshift and premature protein termination (p.Ala1652Serfs*12). This variant is located in the terminal exon in transcript NM_001354429. This variant can also be denoted as c.*1897_*1909dup13 (Post-Coding) in the biologically relevant transcript for hearing loss NM_001142769. To our knowledge, this variant has not been reported in the literature. This variant is reported in 0.083% of alleles in individuals of African descent in gnomAD. At this time, the clinical significance of this variant is uncertain due to the absence of conclusive functional and genetic evidence.

First Genomix Gene Laboratory, Genetic Diagnostics Department
Classification: Likely pathogenic for Autosomal recessive nonsyndromic hearing loss 23; Usher syndrome type 1F. Last evaluated: 2025-09-19. Review status: criteria provided, single submitter. Criteria: ACMG Guidelines, 2015. Collection method: clinical testing. Allele origin: germline. Inheritance: Autosomal recessive inheritance. Affected: no. Observed: 1 variant allele.

Blueprint Genetics
Classification: Uncertain significance. Last evaluated: 2023-12-14. Review status: criteria provided, single submitter. Criteria: ACMG Guidelines, 2015. Collection method: clinical testing. Allele origin: germline.

NM_001384140.1(PCDH15):c.5007_5019dup (p.Ala1674fs)

Gene: PCDH15 (protocadherin related 15; minus strand). Cytogenetic location: 10q21.1.
Variant type: Duplication.
Coding change: c.5007_5019dup on transcript NM_001384140.1 (MANE Select); coding-DNA positions 5007 to 5019, 13 bases duplicated (TCTGGTTACATTT).
Protein change: p.Ala1674fs; shifts the reading frame from alanine 1674.
Molecular consequence: frameshift variant.
Genome position (GRCh38, 1-based): chr10:53,806,783-53,806,795, AAATGTAACCAGA duplicated on the plus strand (TCTGGTTACATTT on the coding strand, the reverse complement: PCDH15 is on the minus strand). VCF-style (leftmost placement, unchanged base first): chr10-53806782-C-CAAATGTAACCAGA. GRCh37 (hg19) VCF-style: chr10-55566542-C-CAAATGTAACCAGA.
Other names: c.4833_4845dup, p.Ala1616fs (NM_001142771.2); c.4818_4830dup, p.Ala1611fs (NM_001142772.2); c.4812_4824dup, p.Ala1609fs (NM_001354420.2); c.4941_4953dup, p.Ala1652fs (NM_001354429.2); c.4941_4953dup13 (NM_001354429.1); short protein forms A1609fs, A1611fs, A1616fs, A1652fs, A1674fs.
Identifiers: ClinVar variation 4850378 (VCV004850378.3).